The following is an entry in ClinVar:

ClinVar aggregate classification (germline): Uncertain significance. Review status: criteria provided, multiple submitters, no conflicts (2 of 4 stars). 2 submissions from 2 submitters: Uncertain significance (2). Last evaluated 2022-02-03.

Conditions:
Emery-Dreifuss muscular dystrophy 4, autosomal dominant (EDMD4). Also called: EMERY-DREIFUSS MUSCULAR DYSTROPHY 4 WITH VARIABLE FEATURES. Identifiers: Orphanet 261, MedGen C2751807, MONDO:0013071, OMIM 612998.
Autosomal recessive ataxia, Beauce type. Also called: Spinocerebellar ataxia, autosomal recessive 8; ATAXIA, RECESSIVE, OF BEAUCE; SYNE1 Deficiency; SYNE1-Related Autosomal Recessive Cerebellar Ataxia. Identifiers: Orphanet 88644, MedGen C1853116, MONDO:0012549, OMIM 610743.

Allele frequency attached by ClinVar (database versions not stated): ExAC 0.00002; gnomAD exomes 0.00002; gnomAD 0.00003; 1000 Genomes Project 30x 0.00016; 1000 Genomes Project 0.00020.
gnomAD v4.1: 29 of 1,613,898 alleles (0.0018%); highest among the groups gnomAD compares: South Asian, 0.029%; no homozygotes.

Submissions (2):

Labcorp Genetics (formerly Invitae), Labcorp
Classification: Uncertain significance for Emery-Dreifuss muscular dystrophy 4, autosomal dominant; Autosomal recessive ataxia, Beauce type. Last evaluated: 2022-02-03. Review status: criteria provided, single submitter. Criteria: Invitae Variant Classification Sherloc (09022015). Collection method: clinical testing. Allele origin: germline.
Comment: This variant has not been reported in the literature in individuals affected with SYNE1-related conditions. This variant is present in population databases (rs560488372, gnomAD 0.02%). This sequence change replaces alanine, which is neutral and non-polar, with valine, which is neutral and non-polar, at codon 4037 of the SYNE1 protein (p.Ala4037Val). ClinVar contains an entry for this variant (Variation ID: 1059747). Algorithms developed to predict the effect of missense changes on protein structure and function (SIFT, PolyPhen-2, Align-GVGD) all suggest that this variant is likely to be disruptive. In summary, the available evidence is currently insufficient to determine the role of this variant in disease. Therefore, it has been classified as a Variant of Uncertain Significance.

GeneDx
Classification: Uncertain significance. Last evaluated: 2021-03-19. Review status: criteria provided, single submitter. Criteria: GeneDx Variant Classification Process June 2021. Collection method: clinical testing. Allele origin: germline. Affected: yes.
Comment: In silico analysis supports that this missense variant does not alter protein structure/function; Has not been previously published as pathogenic or benign to our knowledge

NM_182961.4(SYNE1):c.12323C>T (p.Ala4108Val)

Gene: SYNE1 (spectrin repeat containing nuclear envelope protein 1; minus strand). Cytogenetic location: 6q25.2.
Variant type: single nucleotide variant.
Coding change: c.12323C>T on transcript NM_182961.4 (MANE Select); coding-DNA position 12323, C replaced by T.
Protein change: p.Ala4108Val; replaces alanine 4108 with valine.
Molecular consequence: missense variant.
Genome position (GRCh38, 1-based): chr6:152,339,269, G>A on the plus strand (C>T on the coding strand, the complement: SYNE1 is on the minus strand). VCF-style: chr6-152339269-G-A. GRCh37 (hg19) VCF-style: chr6-152660404-G-A.
Other names: c.12110C>T, p.Ala4037Val (NM_033071.5); short protein forms A4037V, A4108V.
Identifiers: ClinVar variation 1059747 (VCV001059747.10), dbSNP rs560488372, ClinGen allele CA4056444.
Genomic context (GRCh38, chr6:152,339,269, plus strand): 5'-AACAAATTCAATGTGATTTTTCATTTTCTTACCGTTTGCTCTGTTTGTTGAATGTCTTTT[G>A]CTGTGGTTTTCACCGAAGCATTTGACAGGTCACACATGGAGCAAAGGAGATCTAGGTAGG-3'
Protein context (NP_892006.3, residues 4098-4118): DLSNASVKTT[Ala4108Val]KDIQQTEQTI